The following is an entry in ClinVar:

ClinVar aggregate classification (germline): Uncertain significance (1 of 4 stars; one submission).

Conditions:
Inborn genetic diseases. Identifiers: MedGen C0950123, MeSH D030342.

gnomAD v4.1: 1 of 1,614,136 alleles (0.000062%); highest among the groups gnomAD compares: South Asian, 0.0011%; no homozygotes.

Submission:

Ambry Genetics
Classification: Uncertain significance for Inborn genetic diseases. Last evaluated: 2026-04-05. Review status: criteria provided, single submitter. Criteria: Ambry Variant Classification Scheme 2023. Collection method: clinical testing. Allele origin: germline.
Comment: The p.K635N variant (also known as c.1905G>C), located in coding exon 8 of the MECOM gene, results from a G to C substitution at nucleotide position 1905. The lysine at codon 635 is replaced by asparagine, an amino acid with similar properties. This amino acid position is conserved. In addition, this alteration is predicted to be tolerated by in silico analysis. Based on the available evidence, the clinical significance of this variant remains unclear.

NM_004991.4(MECOM):c.1905G>C (p.Lys635Asn)

Gene: MECOM (MDS1 and EVI1 complex locus; minus strand). Cytogenetic location: 3q26.2.
Variant type: single nucleotide variant.
Coding change: c.1905G>C on transcript NM_004991.4 (MANE Select); coding-DNA position 1905, G replaced by C.
Protein change: p.Lys635Asn; replaces lysine 635 with asparagine.
Molecular consequence: missense variant. On other transcripts: intron variant (2).
Genome position (GRCh38, 1-based): chr3:169,115,967, C>G on the plus strand (G>C on the coding strand, the complement: MECOM is on the minus strand). VCF-style: chr3-169115967-C-G. GRCh37 (hg19) VCF-style: chr3-168833755-C-G.
Other names: c.1536G>C, p.Lys512Asn (NM_001105077.4); c.1341G>C, p.Lys447Asn (NM_001105078.4, NM_001164000.2, NM_001205194.2 and 4 more transcripts); c.1344G>C, p.Lys448Asn (NM_001163999.2, NM_001366467.2, NM_001366468.2 and 1 more transcripts); c.1905G>C, p.Lys635Asn (NM_001366466.2); c.1133-200G>C (NM_001366473.2); c.569-200G>C (NM_001366474.2); short protein forms K447N, K448N, K512N, K635N.
Identifiers: ClinVar variation 4859725 (VCV004859725.1).